The following is an entry in ClinVar:

NM_001128228.3(TPRN):c.471_473dup (p.Pro164_Ala165insPro)

Gene: TPRN (taperin; minus strand). Cytogenetic location: 9q34.3.
Variant type: Duplication.
Coding change: c.471_473dup on transcript NM_001128228.3 (MANE Select); coding-DNA positions 471 to 473, 3 bases duplicated (CCC; older notation c.471_473dupCCC).
Protein change: p.Pro164_Ala165insPro.
Genome position (GRCh38, 1-based): chr9:137,200,239-137,200,241, GGG duplicated on the plus strand (CCC on the coding strand, the reverse complement: TPRN is on the minus strand); duplicating any 3 consecutive bases within chr9:137,200,239-137,200,244 gives the same sequence; the c. name uses the placement nearest the transcript's 3' end. VCF-style (leftmost placement, unchanged base first): chr9-137200238-C-CGGG. GRCh37 (hg19) VCF-style: chr9-140094690-C-CGGG.
Identifiers: ClinVar variation 3769813 (VCV003769813.2).

ClinVar aggregate classification (germline): Uncertain significance. Review status: criteria provided, multiple submitters, no conflicts (2 of 4 stars). 2 submissions from 2 submitters: Uncertain significance (2). Last evaluated 2025-11-04.

Submissions (2):

Labcorp Genetics (formerly Invitae), Labcorp
Classification: Uncertain significance. Last evaluated: 2025-11-04. Review status: criteria provided, single submitter. Criteria: Invitae Variant Classification Sherloc (09022015). Collection method: clinical testing. Allele origin: germline.
Comment: This variant, c.471_473dup, results in the insertion of 1 amino acid(s) of the TPRN protein (p.Pro164dup), but otherwise preserves the integrity of the reading frame. The frequency data for this variant in the population databases is considered unreliable, as metrics indicate poor data quality at this position in the gnomAD database. This variant has not been reported in the literature in individuals affected with TPRN-related conditions. ClinVar contains an entry for this variant (Variation ID: 3769813). In summary, the available evidence is currently insufficient to determine the role of this variant in disease. Therefore, it has been classified as a Variant of Uncertain Significance.

GeneDx
Classification: Uncertain significance. Last evaluated: 2024-09-11. Review status: criteria provided, single submitter. Criteria: GeneDx Variant Classification Process June 2021. Collection method: clinical testing. Allele origin: germline. Affected: yes.
Comment: In-frame insertion of 1 amino acids in a repetitive region with no known function; Has not been previously published as pathogenic or benign to our knowledge